The following is an entry in ClinVar:

NM_014425.5(INVS):c.1037C>A (p.Ser346Ter)

Gene: INVS (inversin; plus strand). Cytogenetic location: 9q31.1.
Variant type: single nucleotide variant.
Coding change: c.1037C>A on transcript NM_014425.5 (MANE Select); coding-DNA position 1037, C replaced by A.
Protein change: p.Ser346Ter; replaces serine 346 with a stop codon.
Molecular consequence: nonsense. On other transcripts: non-coding transcript variant (1).
Genome position (GRCh38, 1-based): chr9:100,246,746, C>A. VCF-style: chr9-100246746-C-A. GRCh37 (hg19) VCF-style: chr9-103009028-C-A.
Other names: c.749C>A, p.Ser250Ter (NM_001318381.2); c.59C>A, p.Ser20Ter (NM_001318382.2); short protein forms S20*, S346*, S250*.
Identifiers: ClinVar variation 2897160 (VCV002897160.3), dbSNP rs765201028, ClinGen allele CA374363944.
Genomic context (GRCh38, chr9:100,246,746, plus strand): 5'-TTATGTGGGCAGCTGGCAAAGGCAGTGATGATGTCCTTAGAACTATGCTGAGCTTAAAAT[C>A]GGACATAGATATTAACATGGCTGACAAATATGGAGGTACAGGTGAGAACTGGTGGACACA-3'

ClinVar aggregate classification (germline): Pathogenic (1 of 4 stars; one submission).

Conditions:
Nephronophthisis. Also called: Juvenile Nephronophthisis. Identifiers: Orphanet 655, MedGen C0687120, MONDO:0019005, HP:0000090.

Allele frequency attached by ClinVar (database versions not stated): gnomAD 0.00001.
gnomAD v4.1: 1 of 1,613,854 alleles (0.000062%); highest among the groups gnomAD compares: Non-Finnish European, 0.000085%; no homozygotes.

Submission:

Labcorp Genetics (formerly Invitae), Labcorp
Classification: Pathogenic for Nephronophthisis. Last evaluated: 2023-09-13. Review status: criteria provided, single submitter. Criteria: Invitae Variant Classification Sherloc (09022015). Collection method: clinical testing. Allele origin: germline.
Comment: For these reasons, this variant has been classified as Pathogenic. Algorithms developed to predict the effect of sequence changes on RNA splicing suggest that this variant may disrupt the consensus splice site. This variant has not been reported in the literature in individuals affected with INVS-related conditions. This variant is present in population databases (no rsID available, gnomAD 0.007%). This sequence change creates a premature translational stop signal (p.Ser346*) in the INVS gene. It is expected to result in an absent or disrupted protein product. Loss-of-function variants in INVS are known to be pathogenic (PMID: 12872123).

Literature cited by the submitters: PubMed 12872123.